The following is an entry in ClinVar:

ClinVar aggregate classification (germline): Pathogenic (1 of 4 stars; one submission).

Conditions:
Neurofibromatosis, type 1 (NF1). Also called: Neurofibromatosis, type I; Peripheral type neurofibromatosis; VON RECKLINGHAUSEN DISEASE; NEUROFIBROMATOSIS, TYPE I, SOMATIC. Identifiers: Orphanet 636, MedGen C0027831, MONDO:0018975, OMIM 162200. Disease mechanism: loss of function.

Submission:

Labcorp Genetics (formerly Invitae), Labcorp
Classification: Pathogenic for Neurofibromatosis, type 1. Last evaluated: 2023-07-09. Review status: criteria provided, single submitter. Criteria: Invitae Variant Classification Sherloc (09022015). Collection method: clinical testing. Allele origin: germline.
Comment: For these reasons, this variant has been classified as Pathogenic. This variant has not been reported in the literature in individuals affected with NF1-related conditions. This variant is not present in population databases (gnomAD no frequency). This sequence change creates a premature translational stop signal (p.Lys1693Asnfs*6) in the NF1 gene. It is expected to result in an absent or disrupted protein product. Loss-of-function variants in NF1 are known to be pathogenic (PMID: 10712197, 23913538).

Literature cited by the submitters: PubMed 10712197; PubMed 23913538.

NM_001042492.3(NF1):c.5139del (p.Lys1714fs)

Gene: NF1 (neurofibromin 1; plus strand). Cytogenetic location: 17q11.2.
Variant type: Deletion.
Coding change: c.5139del on transcript NM_001042492.3 (MANE Select); coding-DNA position 5139, one base deleted (G; older notation c.5139delG).
Protein change: p.Lys1714fs; shifts the reading frame from lysine 1714.
Molecular consequence: frameshift variant.
Genome position (GRCh38, 1-based): chr17:31,326,123, G deleted; the last of 3 consecutive G bases (chr17:31,326,121-31,326,123); deleting any one gives the same sequence. VCF-style (leftmost placement, unchanged base first): chr17-31326120-TG-T. GRCh37 (hg19) VCF-style: chr17-29653138-TG-T.
Other names: c.5076delG, p.Lys1693Asnfs (NM_000267.4); short protein forms K1714fs, K1693fs.
Identifiers: ClinVar variation 2739425 (VCV002739425.3), dbSNP rs2508697451, ClinGen allele CA2697559576.